The following is an entry in ClinVar:

ClinVar aggregate classification (germline): Likely benign (1 of 4 stars; one submission).

Submission:

CeGaT Center for Human Genetics Tuebingen
Classification: Likely benign. Last evaluated: 2025-06-01. Review status: criteria provided, single submitter. Criteria: CeGaT Center For Human Genetics Tuebingen Variant Classification Criteria Version 2. Collection method: clinical testing. Allele origin: germline. Affected: yes. Observed: 1 variant allele.
Comment: WWC3: BP4, BP7, BS2

NM_015691.5(WWC3):c.60G>A (p.Arg20=)

Gene: WWC3 (WWC family member 3; plus strand). Cytogenetic location: Xp22.2.
Variant type: single nucleotide variant.
Coding change: c.60G>A on transcript NM_015691.5; coding-DNA position 60, G replaced by A.
Protein change: p.Arg20=; no amino-acid change (arginine 20 retained).
Molecular consequence: synonymous variant.
Genome position (GRCh38, 1-based): chrX:10,015,638, G>A. VCF-style: chrX-10015638-G-A. GRCh37 (hg19) VCF-style: chrX-9983678-G-A.
Identifiers: ClinVar variation 3905283 (VCV003905283.10).